The following is an entry in ClinVar:

ClinVar aggregate classification (germline): Uncertain significance (1 of 4 stars; one submission).

gnomAD v4.1: 2 of 1,611,616 alleles (0.00012%); highest among the groups gnomAD compares: Admixed American, 0.0034%; no homozygotes.

Submission:

Labcorp Genetics (formerly Invitae), Labcorp
Classification: Uncertain significance. Last evaluated: 2024-02-05. Review status: criteria provided, single submitter. Criteria: Invitae Variant Classification Sherloc (09022015). Collection method: clinical testing. Allele origin: germline.
Comment: This sequence change replaces lysine, which is basic and polar, with glutamine, which is neutral and polar, at codon 496 of the PHF21A protein (p.Lys496Gln). This variant is present in population databases (rs756203063, gnomAD 0.006%). This variant has not been reported in the literature in individuals affected with PHF21A-related conditions. Advanced modeling of protein sequence and biophysical properties (such as structural, functional, and spatial information, amino acid conservation, physicochemical variation, residue mobility, and thermodynamic stability) performed at Invitae indicates that this missense variant is not expected to disrupt PHF21A protein function with a negative predictive value of 80%. In summary, the available evidence is currently insufficient to determine the role of this variant in disease. Therefore, it has been classified as a Variant of Uncertain Significance.

NM_001352027.3(PHF21A):c.1489A>C (p.Lys497Gln)

Gene: PHF21A (PHD finger protein 21A; minus strand). Cytogenetic location: 11p11.2.
Variant type: single nucleotide variant.
Coding change: c.1489A>C on transcript NM_001352027.3 (MANE Select); coding-DNA position 1489, A replaced by C.
Protein change: p.Lys497Gln; replaces lysine 497 with glutamine.
Molecular consequence: missense variant. On other transcripts: non-coding transcript variant (2).
Genome position (GRCh38, 1-based): chr11:45,938,276, T>G on the plus strand (A>C on the coding strand, the complement: PHF21A is on the minus strand). VCF-style: chr11-45938276-T-G. GRCh37 (hg19) VCF-style: chr11-45959827-T-G.
Other names: c.1348A>C, p.Lys450Gln (NM_016621.5, NM_001352028.1, NM_001352029.1); c.1486A>C, p.Lys496Gln (NM_001101802.3); c.1489A>C, p.Lys497Gln (NM_001352025.3, NM_001352026.3); c.1345A>C, p.Lys449Gln (NM_001352030.3, NM_001352031.3, NM_001352032.3); short protein forms K496Q, K449Q, K497Q, K450Q.
Identifiers: ClinVar variation 3693395 (VCV003693395.2).